The following is an entry in ClinVar:

ClinVar aggregate classification (germline): Conflicting classifications of pathogenicity. Review status: criteria provided, conflicting classifications (1 of 4 stars). 4 submissions from 3 submitters: Uncertain significance (2); Likely benign (1). 1 of the submissions does not count toward it. Last evaluated 2019-12-10.

Conditions:
TECTA-related disorder. Also called: TECTA-related condition.
Autosomal dominant nonsyndromic hearing loss 12. Also called: DEAFNESS, AUTOSOMAL DOMINANT 8. Identifiers: Orphanet 90635, MedGen C1832187, MONDO:0011102, OMIM 601543.
Autosomal recessive nonsyndromic hearing loss 21. Identifiers: Orphanet 90636, MedGen C1863655, MONDO:0011351, OMIM 603629.

Allele frequency attached by ClinVar (database versions not stated): ExAC 0.00003; gnomAD 0.00003 and 0.00004; gnomAD exomes 0.00003; TOPMed 0.00004; 1000 Genomes Project 30x 0.00016; 1000 Genomes Project 0.00020.
gnomAD v4.1: 55 of 1,614,144 alleles (0.0034%); highest among the groups gnomAD compares: Middle Eastern, 0.033%; no homozygotes.

Submissions (4):

GeneDx
Classification: Likely benign. Last evaluated: 2019-12-10. Review status: criteria provided, single submitter. Criteria: GeneDx Variant Classification Process June 2021. Collection method: clinical testing. Allele origin: germline. Affected: yes.

Illumina Laboratory Services, Illumina
Classification: Uncertain significance for Autosomal recessive nonsyndromic hearing loss 21. Last evaluated: 2018-01-12. Review status: criteria provided, single submitter. Criteria: ICSL Variant Classification Criteria 13 December 2019. Collection method: clinical testing. Allele origin: germline.

Illumina Laboratory Services, Illumina
Classification: Uncertain significance for Autosomal dominant nonsyndromic hearing loss 12. Last evaluated: 2018-01-12. Review status: criteria provided, single submitter. Criteria: ICSL Variant Classification Criteria 13 December 2019. Collection method: clinical testing. Allele origin: germline.

PreventionGenetics, part of Exact Sciences
Classification: Likely benign for TECTA-related condition. Last evaluated: 2020-02-19. Review status: no assertion criteria provided. Collection method: clinical testing. Allele origin: germline. Not counted in ClinVar's aggregate classification.
Comment: This variant is classified as likely benign based on ACMG/AMP sequence variant interpretation guidelines (Richards et al. 2015 PMID: 25741868, with internal and published modifications).

NM_005422.4(TECTA):c.5142C>T (p.Tyr1714=)

Genes: TECTA (tectorin alpha; plus strand), TBCEL-TECTA (TBCEL-TECTA readthrough; plus strand). Cytogenetic location: 11q23.3.
Variant type: single nucleotide variant.
Coding change: c.5142C>T on transcript NM_005422.4 (MANE Select); coding-DNA position 5142, C replaced by T.
Protein change: p.Tyr1714=; no amino-acid change (tyrosine 1714 retained).
Molecular consequence: synonymous variant.
Genome position (GRCh38, 1-based): chr11:121,162,240, C>T. VCF-style: chr11-121162240-C-T. GRCh37 (hg19) VCF-style: chr11-121032949-C-T.
Identifiers: ClinVar variation 879402 (VCV000879402.9), dbSNP rs151087951, ClinGen allele CA6327659.